The following is an entry in ClinVar:

NM_001429.4(EP300):c.189G>T (p.Gln63His)

Gene: EP300 (E1A binding protein p300; plus strand). Cytogenetic location: 22q13.2.
Variant type: single nucleotide variant.
Coding change: c.189G>T on transcript NM_001429.4 (MANE Select); coding-DNA position 189, G replaced by T.
Protein change: p.Gln63His; replaces glutamine 63 with histidine.
Molecular consequence: missense variant.
Genome position (GRCh38, 1-based): chr22:41,117,281, G>T. VCF-style: chr22-41117281-G-T. GRCh37 (hg19) VCF-style: chr22-41513285-G-T.
Other names: c.189G>T, p.Gln63His (NM_001362843.2); short protein forms Q63H.
Identifiers: ClinVar variation 3358659 (VCV003358659.1).

ClinVar aggregate classification (germline): Uncertain significance (0 of 4 stars; one submission).

Conditions:
EP300-related disorder. Also called: EP300-related disorders; EP300-related condition.

gnomAD v4.1: 8 of 1,614,062 alleles (0.0005%); highest among the groups gnomAD compares: African/African-American, 0.011%; no homozygotes.

Submission:

PreventionGenetics, part of Exact Sciences
Classification: Uncertain significance for EP300-related condition. Last evaluated: 2024-05-31. Review status: no assertion criteria provided. Collection method: clinical testing. Allele origin: germline.
Comment: The EP300 c.189G>T variant is predicted to result in the amino acid substitution p.Gln63His. To our knowledge, this variant has not been reported in the literature. This variant is reported in 0.016% of alleles in individuals of African descent in gnomAD. Although we suspect that this variant may be benign, at this time, the clinical significance of this variant is uncertain due to the absence of conclusive functional and genetic evidence.